The following is an entry in ClinVar:

ClinVar aggregate classification (germline): Likely benign. Review status: criteria provided, multiple submitters, no conflicts (2 of 4 stars). 2 submissions from 2 submitters: Likely benign (2). Last evaluated 2026-06-22.

Conditions:
Retinoblastoma (RB1). Also called: RETINOBLASTOMA, SOMATIC. Identifiers: Orphanet 790, MedGen C0035335, MeSH D012175, MONDO:0008380, OMIM 180200, HP:0009919. Disease mechanism: loss of function. Inheritance: Both sporadic and heritable forms are tested..

Submissions (2):

Myriad Genetics, Inc.
Classification: Likely benign for Retinoblastoma. Last evaluated: 2026-06-22. Review status: criteria provided, single submitter. Criteria: Myriad Autosomal Dominant, Autosomal Recessive and X-Linked Classification Criteria (2023). Collection method: clinical testing. Allele origin: unknown.
Comment: This variant is considered likely benign. This variant is intronic and is not expected to impact mRNA splicing.

Labcorp Genetics (formerly Invitae), Labcorp
Classification: Likely benign for Retinoblastoma. Last evaluated: 2022-11-22. Review status: criteria provided, single submitter. Criteria: Invitae Variant Classification Sherloc (09022015). Collection method: clinical testing. Allele origin: germline.

NM_000321.3(RB1):c.1815-9T>C

Gene: RB1 (RB transcriptional corepressor 1; plus strand). Cytogenetic location: 13q14.2.
Variant type: single nucleotide variant.
Coding change: c.1815-9T>C on transcript NM_000321.3 (MANE Select); 9 bases into the intron before coding-DNA position 1815, T replaced by C.
Molecular consequence: intron variant.
Genome position (GRCh38, 1-based): chr13:48,456,195, T>C. VCF-style: chr13-48456195-T-C. GRCh37 (hg19) VCF-style: chr13-49030331-T-C.
Other names: c.1815-9T>C (NM_001407165.1).
Identifiers: ClinVar variation 2815556 (VCV002815556.4), dbSNP rs2138330925, ClinGen allele CA2739277612.